The following is an entry in ClinVar:

ClinVar aggregate classification (germline): Uncertain significance (1 of 4 stars; one submission).

gnomAD v4.1: 2 of 1,614,090 alleles (0.00012%); highest among the groups gnomAD compares: East Asian, 0.0022%; no homozygotes.

Submission:

Labcorp Genetics (formerly Invitae), Labcorp
Classification: Uncertain significance. Last evaluated: 2022-10-31. Review status: criteria provided, single submitter. Criteria: Invitae Variant Classification Sherloc (09022015). Collection method: clinical testing. Allele origin: germline.
Comment: This variant has not been reported in the literature in individuals affected with SNIP1-related conditions. This sequence change replaces arginine, which is basic and polar, with glutamine, which is neutral and polar, at codon 165 of the SNIP1 protein (p.Arg165Gln). This variant is present in population databases (no rsID available, gnomAD 0.006%). Advanced modeling of protein sequence and biophysical properties (such as structural, functional, and spatial information, amino acid conservation, physicochemical variation, residue mobility, and thermodynamic stability) performed at Invitae indicates that this missense variant is not expected to disrupt SNIP1 protein function. In summary, the available evidence is currently insufficient to determine the role of this variant in disease. Therefore, it has been classified as a Variant of Uncertain Significance.

NM_024700.4(SNIP1):c.494G>A (p.Arg165Gln)

Genes: SNIP1 (Smad nuclear interacting protein 1; minus strand), LOC126805704 (BRD4-independent group 4 enhancer GRCh37_chr1:38005292-38006491; plus strand). Cytogenetic location: 1p34.3.
Variant type: single nucleotide variant.
Coding change: c.494G>A on transcript NM_024700.4 (MANE Select); coding-DNA position 494, G replaced by A.
Protein change: p.Arg165Gln; replaces arginine 165 with glutamine.
Molecular consequence: missense variant.
Genome position (GRCh38, 1-based): chr1:37,540,589, C>T on the plus strand (G>A on the coding strand, the complement: SNIP1 is on the minus strand). VCF-style: chr1-37540589-C-T. GRCh37 (hg19) VCF-style: chr1-38006190-C-T.
Other names: short protein forms R165Q.
Identifiers: ClinVar variation 2194424 (VCV002194424.4), dbSNP rs1280491819, ClinGen allele CA339451998.